The following is an entry in ClinVar:

NM_004614.5(TK2):c.341A>T (p.Gln114Leu)

Gene: TK2 (thymidine kinase 2; minus strand). Cytogenetic location: 16q21.
Variant type: single nucleotide variant.
Coding change: c.341A>T on transcript NM_004614.5 (MANE Select); coding-DNA position 341, A replaced by T.
Protein change: p.Gln114Leu; replaces glutamine 114 with leucine.
Molecular consequence: missense variant. On other transcripts: non-coding transcript variant (1).
Genome position (GRCh38, 1-based): chr16:66,531,414, T>A on the plus strand (A>T on the coding strand, the complement: TK2 is on the minus strand). VCF-style: chr16-66531414-T-A. GRCh37 (hg19) VCF-style: chr16-66565317-T-A.
Other names: c.248A>T, p.Gln83Leu (NM_001172643.1, NM_001271935.1); c.266A>T, p.Gln89Leu (NM_001172644.2); c.287A>T, p.Gln96Leu (NM_001172645.2); c.194A>T, p.Gln65Leu (NM_001271934.2); c.50A>T, p.Gln17Leu (NM_001272050.2); short protein forms Q114L, Q17L, Q65L, Q83L, Q89L, Q96L.
Identifiers: ClinVar variation 3907474 (VCV003907474.1).

ClinVar aggregate classification (germline): Uncertain significance (1 of 4 stars; one submission).

gnomAD v4.1: 1 of 1,614,084 alleles (0.000062%); highest among the groups gnomAD compares: African/African-American, 0.0013%; no homozygotes.

Submission:

Women's Health and Genetics/Laboratory Corporation of America, LabCorp
Classification: Uncertain significance. Last evaluated: 2025-06-02. Review status: criteria provided, single submitter. Criteria: LabCorp Variant Classification Summary - May 2015. Collection method: clinical testing. Allele origin: germline.
Comment: Variant summary: TK2 c.341A>T (p.Gln114Leu) results in a non-conservative amino acid change in the encoded protein sequence. Algorithms developed to predict the effect of missense changes on protein structure and function all suggest that this variant is likely to be disruptive. The variant was absent in 251098 control chromosomes (gnomAD). The available data on variant occurrences in the general population are insufficient to allow any conclusion about variant significance. c.341A>T has been observed in one individual affected with clinical features of Mitochondrial DNA Depletion Syndrome - TK2 Related (Dai_2019). These data do not allow any conclusion about variant significance. To our knowledge, no experimental evidence demonstrating an impact on protein function has been reported. The following publication have been ascertained in the context of this evaluation (PMID: 30818899). No submitters have cited clinical-significance assessments for this variant to ClinVar. Based on the evidence outlined above, the variant was classified as uncertain significance.

Literature cited by the submitters: PubMed 30818899.